The following is an entry in ClinVar:

NM_001271.4(CHD2):c.4139A>G (p.Asp1380Gly)

Gene: CHD2 (chromodomain helicase DNA binding protein 2; plus strand). Cytogenetic location: 15q26.1.
Variant type: single nucleotide variant.
Coding change: c.4139A>G on transcript NM_001271.4 (MANE Select); coding-DNA position 4139, A replaced by G.
Protein change: p.Asp1380Gly; replaces aspartic acid 1380 with glycine.
Molecular consequence: missense variant.
Genome position (GRCh38, 1-based): chr15:93,002,178, A>G. VCF-style: chr15-93002178-A-G. GRCh37 (hg19) VCF-style: chr15-93545408-A-G.
Other names: short protein forms D1380G.
Identifiers: ClinVar variation 3639258 (VCV003639258.2).

ClinVar aggregate classification (germline): Uncertain significance (1 of 4 stars; one submission).

Conditions:
Developmental and epileptic encephalopathy 94 (DEE94). Also called: Epileptic encephalopathy, childhood-onset; CHD2-Related Neurodevelopmental Disorders. Identifiers: Orphanet 1942, Orphanet 2382, MedGen C3809278, MONDO:0014150, OMIM 615369.

gnomAD v4.1: 1 of 1,586,154 alleles (0.000063%); highest among the groups gnomAD compares: Admixed American, 0.002%; no homozygotes.

Submission:

Labcorp Genetics (formerly Invitae), Labcorp
Classification: Uncertain significance for Developmental and epileptic encephalopathy 94. Last evaluated: 2024-02-06. Review status: criteria provided, single submitter. Criteria: Invitae Variant Classification Sherloc (09022015). Collection method: clinical testing. Allele origin: germline.
Comment: This sequence change replaces aspartic acid, which is acidic and polar, with glycine, which is neutral and non-polar, at codon 1380 of the CHD2 protein (p.Asp1380Gly). This variant is not present in population databases (gnomAD no frequency). This variant has not been reported in the literature in individuals affected with CHD2-related conditions. An algorithm developed to predict the effect of missense changes on protein structure and function (PolyPhen-2) suggests that this variant is likely to be tolerated. In summary, the available evidence is currently insufficient to determine the role of this variant in disease. Therefore, it has been classified as a Variant of Uncertain Significance.